The following is an entry in ClinVar:

ClinVar aggregate classification (germline): Uncertain significance. Review status: criteria provided, multiple submitters, no conflicts (2 of 4 stars). 2 submissions from 2 submitters: Uncertain significance (2). Last evaluated 2025-07-25.

Conditions:
Hypomagnesemia, seizures, and impaired intellectual development 2. Also called: Hypomagnesemia, seizures, and intellectual disability 2. Identifiers: MedGen C5193023, MONDO:0020788, OMIM 618314.

Submissions (2):

Victorian Clinical Genetics Services, Murdoch Childrens Research Institute
Classification: Uncertain significance for Hypomagnesemia, seizures, and impaired intellectual development 2. Last evaluated: 2025-07-25. Review status: criteria provided, single submitter. Criteria: ACMG Guidelines, 2015. Collection method: clinical testing. Allele origin: germline. Affected: yes.
Comment: This variant is classified as VUS-3A. Evidence in support of pathogenic classification: Variant is predicted to result in a truncated protein (premature termination codon is NOT located at least 54 nucleotides upstream of the final exon-exon junction) with less than 1/3 of the protein sequence affected; Variant is absent from gnomAD (v2, v3 and v4); Additional information: This variant is heterozygous; This gene is associated with autosomal dominant disease; This variant has no previous evidence of pathogenicity; No published evidence of segregation with disease has been identified for this variant; No published functional evidence has been identified for this variant; No comparable truncating variants have previous evidence for pathogenicity; Variant is located in the annotated cation transporting ATPase, C-terminus domain (DECIPHER); Loss of function is a known mechanism of disease in this gene and is associated with Charcot-Marie-Tooth disease, axonal, type 2DD (MIM#618036) and hypomagnesaemia, seizures, and impaired intellectual development 2 (MIM#618314). Loss of function has been clearly established for missense variants; however, there is currently no information in the literature on the mechanism of disease associated with ATP1A1 protein truncating variants (PMIDs: 29499166, 30388404; OMIM).

Labcorp Genetics (formerly Invitae), Labcorp
Classification: Uncertain significance. Last evaluated: 2023-01-15. Review status: criteria provided, single submitter. Criteria: Invitae Variant Classification Sherloc (09022015). Collection method: clinical testing. Allele origin: germline.
Comment: This variant has not been reported in the literature in individuals affected with ATP1A1-related conditions. This variant is not present in population databases (gnomAD no frequency). This sequence change creates a premature translational stop signal (p.Trp987Tyrfs*17) in the ATP1A1 gene. While this is not anticipated to result in nonsense mediated decay, it is expected to disrupt the last 37 amino acid(s) of the ATP1A1 protein. In summary, the available evidence is currently insufficient to determine the role of this variant in disease. Therefore, it has been classified as a Variant of Uncertain Significance. Algorithms developed to predict the effect of sequence changes on RNA splicing suggest that this variant may disrupt the consensus splice site. Experimental studies and prediction algorithms are not available or were not evaluated, and the functional significance of this variant is currently unknown.

Literature cited by the submitters: PubMed 30388404 (cited by Victorian Clinical Genetics Services, Murdoch Childrens Research Institute); PubMed 29499166 (cited by Victorian Clinical Genetics Services, Murdoch Childrens Research Institute).

NM_000701.8(ATP1A1):c.2956_2959dup (p.Trp987fs)

Genes: ATP1A1-AS1 (ATP1A1 antisense RNA 1; minus strand), ATP1A1 (ATPase Na+/K+ transporting subunit alpha 1; plus strand). Cytogenetic location: 1p13.1.
Variant type: Microsatellite.
Coding change: c.2956_2959dup on transcript NM_000701.8 (MANE Select); coding-DNA positions 2956 to 2959, 4 bases duplicated (ACCT; older notation c.2956_2959dupACCT).
Protein change: p.Trp987fs; shifts the reading frame from tryptophan 987.
Molecular consequence: frameshift variant.
Genome position (GRCh38, 1-based): chr1:116,403,888-116,403,891, ACCT duplicated; duplicating any 4 consecutive bases within chr1:116,403,884-116,403,891 gives the same sequence; the c. name uses the placement nearest the transcript's 3' end. VCF-style (leftmost placement, unchanged base first): chr1-116403883-G-GACCT. GRCh37 (hg19) VCF-style: chr1-116946505-G-GACCT.
Other names: c.2956_2959dup, p.Trp987fs (NM_001160233.2); c.2863_2866dup, p.Trp956fs (NM_001160234.2); short protein forms W956fs, W987fs.
Identifiers: ClinVar variation 2828830 (VCV002828830.5), dbSNP rs2525907411, ClinGen allele CA2739275220.
Genomic context (GRCh38, chr1:116,403,883, plus strand): 5'-CTCTTTCTTTATTTGAACTGTGTTCGTGTGCATATAAATTGGTACCTTACTCTATTTCCA[G>GACCT]ACCTACCTGGTGGTTCTGTGCCTTCCCCTACTCTCTTCTCATCTTCGTATATGACGAAGT-3'